The following is an entry in ClinVar:

ClinVar aggregate classification (germline): Benign/Likely benign. Review status: criteria provided, multiple submitters, no conflicts (2 of 4 stars). 3 submissions from 3 submitters: Benign (1); Likely benign (2). Last evaluated 2026-04-20.

Conditions:
Hereditary cancer-predisposing syndrome. Also called: Neoplastic Syndromes, Hereditary; Tumor predisposition; Hereditary Cancer Syndrome; Hereditary neoplastic syndrome. Identifiers: Orphanet 140162, MedGen C0027672, MeSH D009386, MONDO:0015356.
Hereditary diffuse gastric adenocarcinoma (HDGC). Also called: DIFFUSE GASTRIC AND LOBULAR BREAST CANCER SYNDROME. Identifiers: Orphanet 26106, MedGen C1708349, MONDO:0007648, OMIM 137215.

Submissions (3):

Ambry Genetics
Classification: Likely benign for Hereditary cancer-predisposing syndrome. Last evaluated: 2026-04-20. Review status: criteria provided, single submitter. Criteria: Ambry Variant Classification Scheme 2023. Collection method: clinical testing. Allele origin: germline.

Myriad Genetics, Inc.
Classification: Benign for Hereditary diffuse gastric adenocarcinoma. Last evaluated: 2024-09-20. Review status: criteria provided, single submitter. Criteria: Myriad Autosomal Dominant, Autosomal Recessive and X-Linked Classification Criteria (2023). Collection method: clinical testing. Allele origin: unknown.
Comment: This variant is considered benign. This variant is a silent/synonymous amino acid change and it is not expected to impact splicing.

Labcorp Genetics (formerly Invitae), Labcorp
Classification: Likely benign for Hereditary diffuse gastric adenocarcinoma. Last evaluated: 2024-05-18. Review status: criteria provided, single submitter. Criteria: Invitae Variant Classification Sherloc (09022015). Collection method: clinical testing. Allele origin: germline.

NM_004360.5(CDH1):c.1965G>A (p.Lys655=)

Gene: CDH1 (cadherin 1; plus strand). Cytogenetic location: 16q22.1.
Variant type: single nucleotide variant.
Coding change: c.1965G>A on transcript NM_004360.5 (MANE Select); coding-DNA position 1965, G replaced by A.
Protein change: p.Lys655=; no amino-acid change (lysine 655 retained).
Molecular consequence: synonymous variant. On other transcripts: 5 prime UTR variant (1).
Genome position (GRCh38, 1-based): chr16:68,823,427, G>A. VCF-style: chr16-68823427-G-A. GRCh37 (hg19) VCF-style: chr16-68857330-G-A.
Other names: c.1782G>A, p.Lys594= (NM_001317184.2); c.417G>A, p.Lys139= (NM_001317185.2); c.-1G>A (NM_001317186.2).
Identifiers: ClinVar variation 3378697 (VCV003378697.4).
Genomic context (GRCh38, chr16:68,823,427, plus strand): 5'-GTCTCATCATTTCTTTTTATTGCTTTCTCCAGCCCAAGAATCTATCATTTTGAAGCCAAA[G>A]ATGGCCTTAGAGGTGGGTGACTACAAAATCAATCTCAAGCTCATGGATAACCAGAATAAA-3'
Protein context (NP_004351.1, residues 645-665): PTQESIILKP[Lys655=]MALEVGDYKI